The following is an entry in ClinVar:

NM_014625.4(NPHS2):c.87C>G (p.Ala29=)

Gene: NPHS2 (NPHS2 stomatin family member, podocin; minus strand). Cytogenetic location: 1q25.2.
Variant type: single nucleotide variant.
Coding change: c.87C>G on transcript NM_014625.4 (MANE Select); coding-DNA position 87, C replaced by G.
Protein change: p.Ala29=; no amino-acid change (alanine 29 retained).
Molecular consequence: synonymous variant.
Genome position (GRCh38, 1-based): chr1:179,575,778, G>C on the plus strand (C>G on the coding strand, the complement: NPHS2 is on the minus strand). VCF-style: chr1-179575778-G-C. GRCh37 (hg19) VCF-style: chr1-179544913-G-C.
Other names: c.87C>G, p.Ala29= (NM_001297575.2).
Identifiers: ClinVar variation 260431 (VCV000260431.45), dbSNP rs12123397, ClinGen allele CA1267330.

ClinVar aggregate classification (germline): Conflicting classifications of pathogenicity. Review status: criteria provided, conflicting classifications (1 of 4 stars). 9 submissions from 9 submitters: Uncertain significance (1); Benign (1); Likely benign (5). 2 of the submissions do not count toward it. Last evaluated 2026-09-01.

Conditions:
NPHS2-related disorder. Also called: NPHS2-related condition.
Nephrotic syndrome, type 2 (NPHS2). Also called: NEPHROTIC SYNDROME, STEROID-RESISTANT, AUTOSOMAL RECESSIVE. Identifiers: Orphanet 656, MedGen C1868672, MONDO:0010974, OMIM 600995.
Focal segmental glomerulosclerosis (FSGS). Also called: Glomerulosclerosis, focal; Focal sclerosis with hyalinosis. Identifiers: MedGen C0017668, MONDO:0100313, HP:0000097. Disease mechanism: loss of function.
Steroid-resistant nephrotic syndrome. Identifiers: MedGen C0403397, MONDO:0044765, HP:0012588.

Allele frequency attached by ClinVar (database versions not stated): ESP Exome Variant Server 0.00165; 1000 Genomes Project 0.00280; 1000 Genomes Project 30x 0.00297; TOPMed 0.00327; gnomAD 0.00495.
gnomAD v4.1: 8,343 of 1,497,754 alleles (0.56%); highest among the groups gnomAD compares: South Asian, 0.77%; 35 homozygotes.

Submissions (9):

CeGaT Center for Human Genetics Tuebingen
Classification: Likely benign. Last evaluated: 2026-09-01. Review status: criteria provided, single submitter. Criteria: CeGaT Center For Human Genetics Tuebingen Variant Classification Criteria Version 2. Collection method: clinical testing. Allele origin: germline. Affected: yes. Observed: 4 variant alleles.
Comment: NPHS2: BP4, BP7, BS2

Labcorp Genetics (formerly Invitae), Labcorp
Classification: Likely benign. Last evaluated: 2026-02-02. Review status: criteria provided, single submitter. Criteria: Invitae Variant Classification Sherloc (09022015). Collection method: clinical testing. Allele origin: germline.

Blueprint Genetics
Classification: Likely benign. Last evaluated: 2024-11-15. Review status: criteria provided, single submitter. Criteria: ACMG Guidelines, 2015. Collection method: clinical testing. Allele origin: germline.

GeneDx
Classification: Likely benign. Last evaluated: 2021-05-05. Review status: criteria provided, single submitter. Criteria: GeneDx Variant Classification Process June 2021. Collection method: clinical testing. Allele origin: germline. Affected: yes.

Genome Diagnostics Laboratory, The Hospital for Sick Children
Classification: Likely benign for Focal segmental glomerulosclerosis. Last evaluated: 2020-05-01. Review status: criteria provided, single submitter. Criteria: ACMG Guidelines, 2015. Collection method: clinical testing. Allele origin: germline.

Illumina Laboratory Services, Illumina
Classification: Uncertain significance for Nephrotic syndrome, type 2. Last evaluated: 2018-01-12. Review status: criteria provided, single submitter. Criteria: ICSL Variant Classification Criteria 13 December 2019. Collection method: clinical testing. Allele origin: germline.

Athena Diagnostics
Classification: Benign. Last evaluated: 2016-10-04. Review status: criteria provided, single submitter. Criteria: Athena Diagnostics Criteria. Collection method: clinical testing. Allele origin: germline.

PreventionGenetics, part of Exact Sciences
Classification: Benign for NPHS2-related condition. Last evaluated: 2020-07-28. Review status: no assertion criteria provided. Collection method: clinical testing. Allele origin: germline. Not counted in ClinVar's aggregate classification.
Comment: This variant is classified as benign based on ACMG/AMP sequence variant interpretation guidelines (Richards et al. 2015 PMID: 25741868, with internal and published modifications).

Natera, Inc.
Classification: Likely benign for Steroid-resistant nephrotic syndrome. Last evaluated: 2020-01-06. Review status: no assertion criteria provided. Collection method: clinical testing. Allele origin: germline. Not counted in ClinVar's aggregate classification.

Literature cited by the submitters: PubMed 15968559 (cited by Athena Diagnostics).